The following is an entry in ClinVar:

ClinVar aggregate classification (germline): Uncertain significance. Review status: criteria provided, multiple submitters, no conflicts (2 of 4 stars). 2 submissions from 2 submitters: Uncertain significance (2). Last evaluated 2025-01-06.

Conditions:
Genitopatellar syndrome (GTPTS). Also called: Genitopatellar syndrome (GPS); ABSENT PATELLAE, SCROTAL HYPOPLASIA, RENAL ANOMALIES, FACIAL DYSMORPHISM, AND MENTAL RETARDATION. Identifiers: Orphanet 85201, MedGen C1853566, MONDO:0011640, OMIM 606170.
Blepharophimosis - intellectual disability syndrome, SBBYS type (SBBYSS). Also called: Say-Barber-Biesecker-Young-Simpson variant of Ohdo Syndrome; Say-Barber-Biesecker Variant of Ohdo Syndrome; Young Simpson syndrome; Mental retardation unusual facies hypothyroidism; Say-Barber-Biesecker variant of Ohdo syndrome (SBBYSS); Ohdo syndrome, SBBYS variant. Identifiers: Orphanet 3047, MedGen C1863557, MONDO:0011365, OMIM 603736.

Allele frequency attached by ClinVar (database versions not stated): TOPMed below 0.00001; gnomAD exomes below 0.00001.
gnomAD v4.1: 1 of 1,614,114 alleles (0.000062%); highest among the groups gnomAD compares: Admixed American, 0.0017%; no homozygotes.

Submissions (2):

Labcorp Genetics (formerly Invitae), Labcorp
Classification: Uncertain significance for Genitopatellar syndrome. Last evaluated: 2025-01-06. Review status: criteria provided, single submitter. Criteria: Invitae Variant Classification Sherloc (09022015). Collection method: clinical testing. Allele origin: germline.
Comment: This sequence change replaces proline, which is neutral and non-polar, with threonine, which is neutral and polar, at codon 2037 of the KAT6B protein (p.Pro2037Thr). This variant is present in population databases (rs202007260, gnomAD no frequency). This variant has not been reported in the literature in individuals affected with KAT6B-related conditions. ClinVar contains an entry for this variant (Variation ID: 2852047). An algorithm developed to predict the effect of missense changes on protein structure and function (PolyPhen-2) suggests that this variant is likely to be disruptive. In summary, the available evidence is currently insufficient to determine the role of this variant in disease. Therefore, it has been classified as a Variant of Uncertain Significance.

Fulgent Genetics
Classification: Uncertain significance for Blepharophimosis - intellectual disability syndrome, SBBYS type; Genitopatellar syndrome. Last evaluated: 2024-02-07. Review status: criteria provided, single submitter. Criteria: ACMG Guidelines, 2015. Collection method: clinical testing. Allele origin: germline.

NM_012330.4(KAT6B):c.6109C>A (p.Pro2037Thr)

Gene: KAT6B (lysine acetyltransferase 6B; plus strand). Cytogenetic location: 10q22.2.
Variant type: single nucleotide variant.
Coding change: c.6109C>A on transcript NM_012330.4 (MANE Select); coding-DNA position 6109, C replaced by A.
Protein change: p.Pro2037Thr; replaces proline 2037 with threonine.
Molecular consequence: missense variant.
Genome position (GRCh38, 1-based): chr10:75,030,933, C>A. VCF-style: chr10-75030933-C-A. GRCh37 (hg19) VCF-style: chr10-76790691-C-A.
Other names: c.5233C>A, p.Pro1745Thr (NM_001256469.2, NM_001370139.1, NM_001370140.1 and 2 more transcripts); c.5071C>A, p.Pro1691Thr (NM_001370132.1); c.4420C>A, p.Pro1474Thr (NM_001370133.1); c.4024C>A, p.Pro1342Thr (NM_001370134.1); c.3766C>A, p.Pro1256Thr (NM_001370135.1); c.6109C>A, p.Pro2037Thr (NM_001370136.1, NM_001370137.1); c.5560C>A, p.Pro1854Thr (NM_001370138.1, NM_001256468.2); c.5044C>A, p.Pro1682Thr (NM_001370143.1, NM_001370144.1); short protein forms P1342T, P1682T, P1691T, P1854T, P2037T, P1474T, P1256T, P1745T.
Identifiers: ClinVar variation 2852047 (VCV002852047.4), dbSNP rs202007260, ClinGen allele CA209711428.